The following is an entry in ClinVar:

NM_001048174.2(MUTYH):c.31G>A (p.Gly11Ser)

Gene: MUTYH (mutY DNA glycosylase; minus strand). Cytogenetic location: 1p34.1.
Variant type: single nucleotide variant.
Coding change: c.31G>A on transcript NM_001048174.2 (MANE Select); coding-DNA position 31, G replaced by A.
Protein change: p.Gly11Ser; replaces glycine 11 with serine.
Molecular consequence: missense variant. On other transcripts: 5 prime UTR variant (4), non-coding transcript variant (2).
Genome position (GRCh38, 1-based): chr1:45,334,475, C>T on the plus strand (G>A on the coding strand, the complement: MUTYH is on the minus strand). VCF-style: chr1-45334475-C-T. GRCh37 (hg19) VCF-style: chr1-45800147-C-T.
Other names: c.31G>A, p.Gly11Ser (NM_001048171.2, NM_001048172.2, NM_001048173.2 and 2 more transcripts); c.73G>A, p.Gly25Ser (NM_001128425.2, NM_001293190.2, NM_012222.3); c.-182G>A (NM_001293192.2, NM_001293196.2); c.-241G>A (NM_001350650.2); c.-177G>A (NM_001350651.2); short protein forms G25S, G11S.
Identifiers: ClinVar variation 657571 (VCV000657571.8), dbSNP rs764645557, ClinGen allele CA026524.

ClinVar aggregate classification (germline): Uncertain significance (1 of 4 stars; one submission).

Conditions:
Familial adenomatous polyposis 2. Also called: COLORECTAL ADENOMATOUS POLYPOSIS, AUTOSOMAL RECESSIVE; ADENOMAS, MULTIPLE COLORECTAL, AUTOSOMAL RECESSIVE; MYH-associated polyposis; MUTYH Polyposis; Adenomas, multiple colorectal; MUTYH-associated polyposis. Identifiers: Orphanet 220460, Orphanet 247798, MedGen C3272841, MONDO:0012041, OMIM 608456.

Allele frequency attached by ClinVar (database versions not stated): ExAC 0.00001; gnomAD 0.00001.

Submission:

Labcorp Genetics (formerly Invitae), Labcorp
Classification: Uncertain significance for Familial adenomatous polyposis 2. Last evaluated: 2018-12-05. Review status: criteria provided, single submitter. Criteria: Invitae Variant Classification Sherloc (09022015). Collection method: clinical testing. Allele origin: germline.
Comment: This sequence change replaces glycine with serine at codon 25 of the MUTYH protein (p.Gly25Ser). The glycine residue is moderately conserved and there is a small physicochemical difference between glycine and serine. This variant is present in population databases (rs764645557, ExAC 0.01%). This variant has not been reported in the literature in individuals with MUTYH-related conditions. Algorithms developed to predict the effect of missense changes on protein structure and function output the following: SIFT: "Tolerated"; PolyPhen-2: "Benign"; Align-GVGD: "Class C0". The serine amino acid residue is found in multiple mammalian species, suggesting that this missense change does not adversely affect protein function. These predictions have not been confirmed by published functional studies and their clinical significance is uncertain. In summary, the available evidence is currently insufficient to determine the role of this variant in disease. Therefore, it has been classified as a Variant of Uncertain Significance.